The following is an entry in ClinVar:

ClinVar aggregate classification (germline): Likely benign (1 of 4 stars; one submission).

Conditions:
PLXNA4-related disorder. Also called: PLXNA4-related condition.

gnomAD v4.1: 25 of 1,614,070 alleles (0.0015%); highest among the groups gnomAD compares: East Asian, 0.011%; no homozygotes.

Submission:

PreventionGenetics, part of Exact Sciences
Classification: Likely benign for PLXNA4-related condition. Last evaluated: 2025-01-12. Review status: criteria provided, single submitter. Criteria: ACMG Guidelines, 2015. Collection method: clinical testing. Allele origin: germline.
Comment: This variant is classified as likely benign based on ACMG/AMP sequence variant interpretation guidelines (Richards et al. 2015 PMID: 25741868, with internal and published modifications).

NM_020911.2(PLXNA4):c.5106G>A (p.Thr1702=)

Gene: PLXNA4 (plexin A4; minus strand). Cytogenetic location: 7q32.3.
Variant type: single nucleotide variant.
Coding change: c.5106G>A on transcript NM_020911.2 (MANE Select); coding-DNA position 5106, G replaced by A.
Protein change: p.Thr1702=; no amino-acid change (threonine 1702 retained).
Molecular consequence: synonymous variant.
Genome position (GRCh38, 1-based): chr7:132,145,238, C>T on the plus strand (G>A on the coding strand, the complement: PLXNA4 is on the minus strand). VCF-style: chr7-132145238-C-T. GRCh37 (hg19) VCF-style: chr7-131829997-C-T.
Other names: c.5106G>A, p.Thr1702= (NM_001393897.1).
Identifiers: ClinVar variation 4977342 (VCV004977342.1).